The following is an entry in ClinVar:

ClinVar aggregate classification (germline): Uncertain significance. Review status: criteria provided, multiple submitters, no conflicts (2 of 4 stars). 2 submissions from 2 submitters: Uncertain significance (2). Last evaluated 2025-01-28.

gnomAD v4.1: 55 of 1,613,974 alleles (0.0034%); highest among the groups gnomAD compares: Non-Finnish European, 0.0047%; no homozygotes.

Submissions (2):

Labcorp Genetics (formerly Invitae), Labcorp
Classification: Uncertain significance. Last evaluated: 2025-01-28. Review status: criteria provided, single submitter. Criteria: Invitae Variant Classification Sherloc (09022015). Collection method: clinical testing. Allele origin: germline.
Comment: This sequence change replaces lysine, which is basic and polar, with asparagine, which is neutral and polar, at codon 92 of the SYT2 protein (p.Lys92Asn). This variant is present in population databases (rs758978103, gnomAD 0.004%). This variant has not been reported in the literature in individuals affected with SYT2-related conditions. Invitae Evidence Modeling of protein sequence and biophysical properties (such as structural, functional, and spatial information, amino acid conservation, physicochemical variation, residue mobility, and thermodynamic stability) indicates that this missense variant is not expected to disrupt SYT2 protein function with a negative predictive value of 80%. In summary, the available evidence is currently insufficient to determine the role of this variant in disease. Therefore, it has been classified as a Variant of Uncertain Significance.

Revvity Omics, Revvity
Classification: Uncertain significance. Last evaluated: 2025-01-08. Review status: criteria provided, single submitter. Criteria: ACMG Guidelines, 2015. Collection method: clinical testing. Allele origin: germline.

NM_177402.5(SYT2):c.276G>C (p.Lys92Asn)

Gene: SYT2 (synaptotagmin 2; minus strand). Cytogenetic location: 1q32.1.
Variant type: single nucleotide variant.
Coding change: c.276G>C on transcript NM_177402.5 (MANE Select); coding-DNA position 276, G replaced by C.
Protein change: p.Lys92Asn; replaces lysine 92 with asparagine.
Molecular consequence: missense variant.
Genome position (GRCh38, 1-based): chr1:202,604,524, C>G on the plus strand (G>C on the coding strand, the complement: SYT2 is on the minus strand). VCF-style: chr1-202604524-C-G. GRCh37 (hg19) VCF-style: chr1-202573652-C-G.
Other names: c.276G>C, p.Lys92Asn (NM_001136504.1); short protein forms K92N.
Identifiers: ClinVar variation 3629432 (VCV003629432.3).